The following is an entry in ClinVar:

NM_001005498.4(RHBDF2):c.1700A>G (p.Lys567Arg)

Gene: RHBDF2 (rhomboid 5 homolog 2; minus strand). Cytogenetic location: 17q25.1.
Variant type: single nucleotide variant.
Coding change: c.1700A>G on transcript NM_001005498.4 (MANE Select); coding-DNA position 1700, A replaced by G.
Protein change: p.Lys567Arg; replaces lysine 567 with arginine.
Molecular consequence: missense variant. On other transcripts: non-coding transcript variant (3).
Genome position (GRCh38, 1-based): chr17:76,473,681, T>C on the plus strand (A>G on the coding strand, the complement: RHBDF2 is on the minus strand). VCF-style: chr17-76473681-T-C. GRCh37 (hg19) VCF-style: chr17-74469763-T-C.
Other names: c.1700A>G, p.Lys567Arg (NM_001376228.1, NM_001376229.1, NM_001376230.1); c.1787A>G, p.Lys596Arg (NM_024599.5); short protein forms K596R, K567R.
Identifiers: ClinVar variation 3671656 (VCV003671656.2).
Genomic context (GRCh38, chr17:76,473,681, plus strand): 5'-GCTGAGGCCAGGGCCCAGGTCGCTCACCTGCCCTTGGTGCCGATGCAGCAGGGGCGGCCC[T>C]TGATCTCGCAGTCCATGTGCAGGAAGCCTGTGTGGTTGCTCCTGGCCTGCTCTGTGCAGA-3'
Protein context (NP_001005498.2, residues 557-577): TGFLHMDCEI[Lys567Arg]GRPCCIGTKG

ClinVar aggregate classification (germline): Uncertain significance (1 of 4 stars; one submission).

Submission:

Labcorp Genetics (formerly Invitae), Labcorp
Classification: Uncertain significance. Last evaluated: 2024-10-31. Review status: criteria provided, single submitter. Criteria: Invitae Variant Classification Sherloc (09022015). Collection method: clinical testing. Allele origin: germline.
Comment: This sequence change replaces lysine, which is basic and polar, with arginine, which is basic and polar, at codon 596 of the RHBDF2 protein (p.Lys596Arg). This variant is not present in population databases (gnomAD no frequency). This variant has not been reported in the literature in individuals affected with RHBDF2-related conditions. An algorithm developed to predict the effect of missense changes on protein structure and function outputs the following: PolyPhen-2: "Benign". The arginine amino acid residue is found in multiple mammalian species, which suggests that this missense change does not adversely affect protein function. In summary, the available evidence is currently insufficient to determine the role of this variant in disease. Therefore, it has been classified as a Variant of Uncertain Significance.